The following is an entry in ClinVar:

ClinVar aggregate classification (germline): Likely benign. Review status: criteria provided, multiple submitters, no conflicts (2 of 4 stars). 2 submissions from 2 submitters: Likely benign (2). Last evaluated 2024-11-11.

Conditions:
Fanconi anemia (FA). Also called: Fanconi's anemia. Identifiers: Orphanet 84, MedGen C0015625, MeSH D005199, MONDO:0019391.

gnomAD v4.1: 18 of 1,614,144 alleles (0.0011%); highest among the groups gnomAD compares: Non-Finnish European, 0.0014%; no homozygotes.

Submissions (2):

Labcorp Genetics (formerly Invitae), Labcorp
Classification: Likely benign for Fanconi anemia. Last evaluated: 2024-11-11. Review status: criteria provided, single submitter. Criteria: Invitae Variant Classification Sherloc (09022015). Collection method: clinical testing. Allele origin: germline.

CeGaT Center for Human Genetics Tuebingen
Classification: Likely benign. Last evaluated: 2023-08-01. Review status: criteria provided, single submitter. Criteria: CeGaT Center For Human Genetics Tuebingen Variant Classification Criteria Version 2. Collection method: clinical testing. Allele origin: germline. Affected: yes. Observed: 1 variant allele.
Comment: FANCL: BP4, BP7

NM_018062.4(FANCL):c.22C>T (p.Leu8=)

Gene: FANCL (FA complementation group L; minus strand). Cytogenetic location: 2p16.1.
Variant type: single nucleotide variant.
Coding change: c.22C>T on transcript NM_018062.4 (MANE Select); coding-DNA position 22, C replaced by T.
Protein change: p.Leu8=; no amino-acid change (leucine 8 retained).
Molecular consequence: synonymous variant.
Genome position (GRCh38, 1-based): chr2:58,241,292, G>A on the plus strand (C>T on the coding strand, the complement: FANCL is on the minus strand). VCF-style: chr2-58241292-G-A. GRCh37 (hg19) VCF-style: chr2-58468427-G-A.
Other names: c.22C>T, p.Leu8= (NM_001114636.2, NM_001374615.1, NM_001410792.1).
Identifiers: ClinVar variation 2650958 (VCV002650958.26), dbSNP rs764378405, ClinGen allele CA1670842.
Genomic context (GRCh38, chr2:58,241,292, plus strand): 5'-ATCCCTCATACACGGTTTTCGACCGGTTCTGGGGCAGAAGCAGGGGGCACTGGCGCAACA[G>A]GCTCGCTTCCGTCACCGCCATGGCTCGAAGTCCGGAGAAACACAGAAAAGCTCTAGACCT-3'
Protein context (NP_060532.2, residues 1-18): MAVTEAS[Leu8=]LRQCPLLLPQ